The following is an entry in ClinVar:

NM_007052.5(NOX1):c.684G>A (p.Arg228=)

Gene: NOX1 (NADPH oxidase 1; minus strand). Cytogenetic location: Xq22.1.
Variant type: single nucleotide variant.
Coding change: c.684G>A on transcript NM_007052.5 (MANE Select); coding-DNA position 684, G replaced by A.
Protein change: p.Arg228=; no amino-acid change (arginine 228 retained).
Molecular consequence: synonymous variant.
Genome position (GRCh38, 1-based): chrX:100,862,291, C>T on the plus strand (G>A on the coding strand, the complement: NOX1 is on the minus strand). VCF-style: chrX-100862291-C-T. GRCh37 (hg19) VCF-style: chrX-100117280-C-T.
Other names: c.573G>A, p.Arg191= (NM_001271815.2); c.684G>A, p.Arg228= (NM_013955.3).
Identifiers: ClinVar variation 2661043 (VCV002661043.24), dbSNP rs1402501387, ClinGen allele CA517735933.

ClinVar aggregate classification (germline): Likely benign (1 of 4 stars; one submission).

Allele frequency attached by ClinVar (database versions not stated): gnomAD exomes 0.00001; TOPMed 0.00001.
gnomAD v4.1: 6 of 1,210,948 alleles (0.0005%); highest among the groups gnomAD compares: South Asian, 0.0018%; no homozygotes.

Submission:

CeGaT Center for Human Genetics Tuebingen
Classification: Likely benign. Last evaluated: 2022-03-01. Review status: criteria provided, single submitter. Criteria: CeGaT Center For Human Genetics Tuebingen Variant Classification Criteria Version 2. Collection method: clinical testing. Allele origin: germline. Affected: yes. Observed: 1 variant allele.
Comment: NOX1: BP4, BP7